The following is an entry in ClinVar:

NM_002979.5(SCP2):c.752C>G (p.Ala251Gly)

Gene: SCP2 (sterol carrier protein 2; plus strand). Cytogenetic location: 1p32.3.
Variant type: single nucleotide variant.
Coding change: c.752C>G on transcript NM_002979.5 (MANE Select); coding-DNA position 752, C replaced by G.
Protein change: p.Ala251Gly; replaces alanine 251 with glycine.
Molecular consequence: missense variant.
Genome position (GRCh38, 1-based): chr1:52,978,294, C>G. VCF-style: chr1-52978294-C-G. GRCh37 (hg19) VCF-style: chr1-53443966-C-G.
Other names: c.620C>G, p.Ala207Gly (NM_001007098.3, NM_001193600.2); c.680C>G, p.Ala227Gly (NM_001193599.2); c.509C>G, p.Ala170Gly (NM_001193617.2); c.752C>G, p.Ala251Gly (NM_001330587.2); short protein forms A170G, A207G, A251G, A227G.
Identifiers: ClinVar variation 1501265 (VCV001501265.8), dbSNP rs771343266, ClinGen allele CA857223.

ClinVar aggregate classification (germline): Uncertain significance (1 of 4 stars; one submission).

Allele frequency attached by ClinVar (database versions not stated): gnomAD exomes below 0.00001; ExAC 0.00001.
gnomAD v4.1: 3 of 1,613,986 alleles (0.00019%); highest among the groups gnomAD compares: Non-Finnish European, 0.00017%; no homozygotes.

Submission:

Labcorp Genetics (formerly Invitae), Labcorp
Classification: Uncertain significance. Last evaluated: 2022-08-23. Review status: criteria provided, single submitter. Criteria: Invitae Variant Classification Sherloc (09022015). Collection method: clinical testing. Allele origin: germline.
Comment: In summary, the available evidence is currently insufficient to determine the role of this variant in disease. Therefore, it has been classified as a Variant of Uncertain Significance. Algorithms developed to predict the effect of sequence changes on RNA splicing suggest that this variant may create or strengthen a splice site. Algorithms developed to predict the effect of missense changes on protein structure and function (SIFT, PolyPhen-2, Align-GVGD) all suggest that this variant is likely to be disruptive. ClinVar contains an entry for this variant (Variation ID: 1501265). This sequence change replaces alanine, which is neutral and non-polar, with glycine, which is neutral and non-polar, at codon 251 of the SCP2 protein (p.Ala251Gly). This variant is present in population databases (rs771343266, gnomAD 0.0009%). This variant has not been reported in the literature in individuals affected with SCP2-related conditions.